The following is an entry in ClinVar:

ClinVar aggregate classification (germline): Uncertain significance (1 of 4 stars; one submission).

Allele frequency attached by ClinVar (database versions not stated): TOPMed below 0.00001.

Submission:

Labcorp Genetics (formerly Invitae), Labcorp
Classification: Uncertain significance. Last evaluated: 2025-02-20. Review status: criteria provided, single submitter. Criteria: Invitae Variant Classification Sherloc (09022015). Collection method: clinical testing. Allele origin: germline.
Comment: This sequence change replaces glutamic acid, which is acidic and polar, with lysine, which is basic and polar, at codon 59 of the SETBP1 protein (p.Glu59Lys). This variant is not present in population databases (gnomAD no frequency). This variant has not been reported in the literature in individuals affected with SETBP1-related conditions. ClinVar contains an entry for this variant (Variation ID: 2826835). An algorithm developed to predict the effect of missense changes on protein structure and function (PolyPhen-2) suggests that this variant is likely to be disruptive. In summary, the available evidence is currently insufficient to determine the role of this variant in disease. Therefore, it has been classified as a Variant of Uncertain Significance.

NM_015559.3(SETBP1):c.175G>A (p.Glu59Lys)

Gene: SETBP1 (SET binding protein 1; plus strand). Cytogenetic location: 18q12.3.
Variant type: single nucleotide variant.
Coding change: c.175G>A on transcript NM_015559.3 (MANE Select); coding-DNA position 175, G replaced by A.
Protein change: p.Glu59Lys; replaces glutamic acid 59 with lysine.
Molecular consequence: missense variant.
Genome position (GRCh38, 1-based): chr18:44,701,521, G>A. VCF-style: chr18-44701521-G-A. GRCh37 (hg19) VCF-style: chr18-42281486-G-A.
Other names: c.175G>A, p.Glu59Lys (NM_001130110.2, NM_001379141.1, NM_001379142.1 and 1 more transcripts); short protein forms E59K.
Identifiers: ClinVar variation 2826835 (VCV002826835.3), dbSNP rs2069115926, ClinGen allele CA402481586.